The following is an entry in ClinVar:

NM_000416.3(IFNGR1):c.785G>A (p.Ser262Asn)

Gene: IFNGR1 (interferon gamma receptor 1; minus strand). Cytogenetic location: 6q23.3.
Variant type: single nucleotide variant.
Coding change: c.785G>A on transcript NM_000416.3 (MANE Select); coding-DNA position 785, G replaced by A.
Protein change: p.Ser262Asn; replaces serine 262 with asparagine.
Molecular consequence: missense variant.
Genome position (GRCh38, 1-based): chr6:137,200,957, C>T on the plus strand (G>A on the coding strand, the complement: IFNGR1 is on the minus strand). VCF-style: chr6-137200957-C-T. GRCh37 (hg19) VCF-style: chr6-137522094-C-T.
Other names: c.755G>A, p.Ser252Asn (NM_001363526.1); c.662G>A, p.Ser221Asn (NM_001363527.1); short protein forms S221N, S262N, S252N.
Identifiers: ClinVar variation 2694955 (VCV002694955.3), dbSNP rs2548230756, ClinGen allele CA365774150.

ClinVar aggregate classification (germline): Uncertain significance (1 of 4 stars; one submission).

Conditions:
Disseminated atypical mycobacterial infection. Identifiers: MedGen C0694566.

Submission:

Labcorp Genetics (formerly Invitae), Labcorp
Classification: Uncertain significance for Disseminated atypical mycobacterial infection. Last evaluated: 2023-11-10. Review status: criteria provided, single submitter. Criteria: Invitae Variant Classification Sherloc (09022015). Collection method: clinical testing. Allele origin: germline.
Comment: This sequence change replaces serine, which is neutral and polar, with asparagine, which is neutral and polar, at codon 262 of the IFNGR1 protein (p.Ser262Asn). This variant is not present in population databases (gnomAD no frequency). This variant has not been reported in the literature in individuals affected with IFNGR1-related conditions. Advanced modeling of protein sequence and biophysical properties (such as structural, functional, and spatial information, amino acid conservation, physicochemical variation, residue mobility, and thermodynamic stability) performed at Invitae indicates that this missense variant is not expected to disrupt IFNGR1 protein function with a negative predictive value of 80%. In summary, the available evidence is currently insufficient to determine the role of this variant in disease. Therefore, it has been classified as a Variant of Uncertain Significance.